The following is an entry in ClinVar:

NM_000548.5(TSC2):c.1875A>C (p.Ser625=)

Gene: TSC2 (TSC complex subunit 2; plus strand). Cytogenetic location: 16p13.3.
Variant type: single nucleotide variant.
Coding change: c.1875A>C on transcript NM_000548.5 (MANE Select); coding-DNA position 1875, A replaced by C.
Protein change: p.Ser625=; no amino-acid change (serine 625 retained).
Molecular consequence: synonymous variant.
Genome position (GRCh38, 1-based): chr16:2,071,545, A>C. VCF-style: chr16-2071545-A-C. GRCh37 (hg19) VCF-style: chr16-2121546-A-C.
Other names: c.1875A>C, p.Ser625= (NM_001077183.3, NM_001114382.3, NM_001363528.2 and 3 more transcripts); c.1764A>C, p.Ser588= (NM_001318827.2); c.1728A>C, p.Ser576= (NM_001318829.2); c.1275A>C, p.Ser425= (NM_001318831.2); c.1908A>C, p.Ser636= (NM_001318832.2).
Identifiers: ClinVar variation 467903 (VCV000467903.16), dbSNP rs1555505786, ClinGen allele CA492950306.

ClinVar aggregate classification (germline): Benign/Likely benign. Review status: criteria provided, multiple submitters, no conflicts (2 of 4 stars). 4 submissions from 4 submitters: Benign (1); Likely benign (3). Last evaluated 2025-05-16.

Conditions:
Tuberous sclerosis syndrome (TSC). Also called: Tuberous Sclerosis Complex; Tuberous sclerosis. Identifiers: Orphanet 805, MedGen C0041341, MONDO:0001734.
Hereditary cancer-predisposing syndrome. Also called: Hereditary neoplastic syndrome; Neoplastic Syndromes, Hereditary; Tumor predisposition; Hereditary Cancer Syndrome. Identifiers: Orphanet 140162, MedGen C0027672, MeSH D009386, MONDO:0015356.
Tuberous sclerosis 2 (TSC2). Identifiers: Orphanet 805, MedGen C1860707, MONDO:0013199, OMIM 613254.

Submissions (4):

Myriad Genetics, Inc.
Classification: Benign for Tuberous sclerosis 2. Last evaluated: 2025-05-16. Review status: criteria provided, single submitter. Criteria: Myriad Autosomal Dominant, Autosomal Recessive and X-Linked Classification Criteria (2023). Collection method: clinical testing. Allele origin: unknown.
Comment: This variant is considered benign. This variant is a silent/synonymous amino acid change and it is not expected to impact splicing.

Labcorp Genetics (formerly Invitae), Labcorp
Classification: Likely benign for Tuberous sclerosis 2. Last evaluated: 2023-08-04. Review status: criteria provided, single submitter. Criteria: Invitae Variant Classification Sherloc (09022015). Collection method: clinical testing. Allele origin: germline.

All of Us Research Program, National Institutes of Health
Classification: Likely benign for Tuberous sclerosis syndrome. Last evaluated: 2023-06-08. Review status: criteria provided, single submitter. Criteria: ACMG Guidelines, 2015. Collection method: clinical testing. Allele origin: germline. Inheritance: Autosomal dominant inheritance. Observed: 1 variant allele, 1 heterozygote.
Comment: This study involves interpretation of variants in research participants for the purpose of population health screening. Participant phenotype was not available at the time of variant classification. Additional details can be found in publication PMID: 35346344, PMCID: PMC8962531

Ambry Genetics
Classification: Likely benign for Hereditary cancer-predisposing syndrome. Last evaluated: 2022-05-30. Review status: criteria provided, single submitter. Criteria: Ambry Variant Classification Scheme 2023. Collection method: clinical testing. Allele origin: germline.